The following is an entry in ClinVar:

NM_020806.5(GPHN):c.1891A>T (p.Arg631Trp)

Gene: GPHN (gephyrin; plus strand). Cytogenetic location: 14q23.3.
Variant type: single nucleotide variant.
Coding change: c.1891A>T on transcript NM_020806.5 (MANE Select); coding-DNA position 1891, A replaced by T.
Protein change: p.Arg631Trp; replaces arginine 631 with tryptophan.
Molecular consequence: missense variant.
Genome position (GRCh38, 1-based): chr14:67,159,469, A>T. VCF-style: chr14-67159469-A-T. GRCh37 (hg19) VCF-style: chr14-67626186-A-T.
Other names: c.1792A>T, p.Arg598Trp (NM_001024218.2); c.1951A>T, p.Arg651Trp (NM_001377514.1); c.1921A>T, p.Arg641Trp (NM_001377515.1); c.1912A>T, p.Arg638Trp (NM_001377516.1); c.1864A>T, p.Arg622Trp (NM_001377517.1); c.1849A>T, p.Arg617Trp (NM_001377518.1); c.1831A>T, p.Arg611Trp (NM_001377519.1); short protein forms R598W, R611W, R617W, R622W, R631W, R638W, R641W, R651W.
Identifiers: ClinVar variation 2577659 (VCV002577659.2), dbSNP rs2153717725, ClinGen allele CA390121541.

ClinVar aggregate classification (germline): Uncertain significance (1 of 4 stars; one submission).

Submission:

GeneDx
Classification: Uncertain significance. Last evaluated: 2024-06-13. Review status: criteria provided, single submitter. Criteria: GeneDx Variant Classification Process June 2021. Collection method: clinical testing. Allele origin: germline.
Comment: Not observed at significant frequency in large population cohorts (gnomAD); In silico analysis supports that this missense variant has a deleterious effect on protein structure/function; Has not been previously published as pathogenic or benign to our knowledge